The following is an entry in ClinVar:

ClinVar aggregate classification (germline): Uncertain significance. Review status: criteria provided, multiple submitters, no conflicts (2 of 4 stars). 2 submissions from 2 submitters: Uncertain significance (2). Last evaluated 2025-02-15.

Conditions:
Hereditary cancer-predisposing syndrome. Also called: Neoplastic Syndromes, Hereditary; Tumor predisposition; Hereditary Cancer Syndrome; Hereditary neoplastic syndrome. Identifiers: Orphanet 140162, MedGen C0027672, MeSH D009386, MONDO:0015356.
Multiple endocrine neoplasia, type 2 (MEN2). Identifiers: Orphanet 653, MedGen C4048306, MONDO:0019003. Disease mechanism: gain of function.

Allele frequency attached by ClinVar (database versions not stated): gnomAD exomes below 0.00001.
gnomAD v4.1: 1 of 1,612,558 alleles (0.000062%); highest among the groups gnomAD compares: Non-Finnish European, 0.000085%; no homozygotes.

Submissions (2):

Labcorp Genetics (formerly Invitae), Labcorp
Classification: Uncertain significance for Multiple endocrine neoplasia, type 2. Last evaluated: 2025-02-15. Review status: criteria provided, single submitter. Criteria: Invitae Variant Classification Sherloc (09022015). Collection method: clinical testing. Allele origin: germline.
Comment: This sequence change replaces alanine, which is neutral and non-polar, with aspartic acid, which is acidic and polar, at codon 692 of the RET protein (p.Ala692Asp). This variant is not present in population databases (gnomAD no frequency). This variant has not been reported in the literature in individuals affected with RET-related conditions. ClinVar contains an entry for this variant (Variation ID: 1785450). An algorithm developed to predict the effect of missense changes on protein structure and function (PolyPhen-2) suggests that this variant is likely to be tolerated. In summary, the available evidence is currently insufficient to determine the role of this variant in disease. Therefore, it has been classified as a Variant of Uncertain Significance.

Ambry Genetics
Classification: Uncertain significance for Hereditary cancer-predisposing syndrome. Last evaluated: 2024-12-22. Review status: criteria provided, single submitter. Criteria: Ambry Variant Classification Scheme 2023. Collection method: clinical testing. Allele origin: germline.
Comment: The p.A692D variant (also known as c.2075C>A), located in coding exon 11 of the RET gene, results from a C to A substitution at nucleotide position 2075. The alanine at codon 692 is replaced by aspartic acid, an amino acid with dissimilar properties. This amino acid position is not well conserved in available vertebrate species. In addition, this alteration is predicted to be tolerated by in silico analysis. Based on the available evidence, the clinical significance of this variant remains unclear.

NM_020975.6(RET):c.2075C>A (p.Ala692Asp)

Gene: RET (ret proto-oncogene; plus strand). Cytogenetic location: 10q11.21.
Variant type: single nucleotide variant.
Coding change: c.2075C>A on transcript NM_020975.6 (MANE Select); coding-DNA position 2075, C replaced by A.
Protein change: p.Ala692Asp; replaces alanine 692 with aspartic acid.
Molecular consequence: missense variant.
Genome position (GRCh38, 1-based): chr10:43,114,675, C>A. VCF-style: chr10-43114675-C-A. GRCh37 (hg19) VCF-style: chr10-43610123-C-A.
Other names: c.2075C>A, p.Ala692Asp (NM_000323.2, NM_001406743.1, NM_001406744.1 and 4 more transcripts); c.1313C>A, p.Ala438Asp (NM_001355216.2); c.1946C>A, p.Ala649Asp (NM_001406761.1, NM_001406762.1, NM_001406764.1); c.1940C>A, p.Ala647Asp (NM_001406763.1, NM_001406765.1); c.1787C>A, p.Ala596Asp (NM_001406766.1, NM_001406767.1, NM_001406770.1); c.1811C>A, p.Ala604Asp (NM_001406768.1); c.1679C>A, p.Ala560Asp (NM_001406769.1, NM_001406772.1); c.1637C>A, p.Ala546Asp (NM_001406771.1, NM_001406773.1); and 10 more; short protein forms A348D, A517D, A350D, A362D, A438D, A560D, A647D, A209D.
Identifiers: ClinVar variation 1785450 (VCV001785450.8), dbSNP rs1403143093, ClinGen allele CA376553259.